The following is an entry in ClinVar:

ClinVar aggregate classification (germline): Uncertain significance (1 of 4 stars; one submission).

Conditions:
Snijders Blok-Campeau syndrome. Also called: INTELLECTUAL DEVELOPMENTAL DISORDER WITH MACROCEPHALY, SPEECH DELAY, AND DYSMORPHIC FACIES. Identifiers: Orphanet 599082, MedGen C4748701, MONDO:0032600, OMIM 618205.

Submission:

Juno Genomics, Hangzhou Juno Genomics, Inc
Classification: Uncertain significance for Snijders Blok-Campeau syndrome. Review status: criteria provided, single submitter. Criteria: ACMG Guidelines, 2015. Collection method: clinical testing. Allele origin: germline. Affected: yes.
Comment: Absent from controls (or at extremely low frequency if recessive) in Genome Aggregation Database, Exome Sequencing Project, 1000 Genomes Project, or Exome Aggregation Consortium.;Multiple lines of computational evidence support a deleterious effect on the gene or gene product (conservation, evolutionary, splicing impact, etc).;Missense variant in a gene that has a low rate of benign missense variation and where missense variants are a common mechanism of disease.

NM_001005273.3(CHD3):c.4489C>G (p.Leu1497Val)

Gene: CHD3 (chromodomain helicase DNA binding protein 3; plus strand). Cytogenetic location: 17p13.1.
Variant type: single nucleotide variant.
Coding change: c.4489C>G on transcript NM_001005273.3 (MANE Select); coding-DNA position 4489, C replaced by G.
Protein change: p.Leu1497Val; replaces leucine 1497 with valine.
Molecular consequence: missense variant.
Genome position (GRCh38, 1-based): chr17:7,906,683, C>G. VCF-style: chr17-7906683-C-G. GRCh37 (hg19) VCF-style: chr17-7810001-C-G.
Other names: c.4666C>G, p.Leu1556Val (NM_001005271.3); c.4489C>G, p.Leu1497Val (NM_005852.4); short protein forms L1497V, L1556V.
Identifiers: ClinVar variation 3382682 (VCV003382682.2).